The following is an entry in ClinVar:

NM_006662.3(SRCAP):c.5258C>G (p.Pro1753Arg)

Gene: SRCAP (Snf2 related CREBBP activator protein; plus strand). Cytogenetic location: 16p11.2.
Variant type: single nucleotide variant.
Coding change: c.5258C>G on transcript NM_006662.3 (MANE Select); coding-DNA position 5258, C replaced by G.
Protein change: p.Pro1753Arg; replaces proline 1753 with arginine.
Molecular consequence: missense variant.
Genome position (GRCh38, 1-based): chr16:30,724,682, C>G. VCF-style: chr16-30724682-C-G. GRCh37 (hg19) VCF-style: chr16-30736003-C-G.
Other names: c.5258C>G (NM_006662.2); short protein forms P1753R.
Identifiers: ClinVar variation 2112344 (VCV002112344.6), dbSNP rs2151294517, ClinGen allele CA395617952.

ClinVar aggregate classification (germline): Uncertain significance. Review status: criteria provided, multiple submitters, no conflicts (2 of 4 stars). 3 submissions from 3 submitters: Uncertain significance (3). Last evaluated 2025-12-16.

Conditions:
Developmental delay, hypotonia, musculoskeletal defects, and behavioral abnormalities. Identifiers: MedGen C5562012, MONDO:0859202, OMIM 619595.
Floating-Harbor syndrome (FLHS). Also called: SRCAP-Related Floating-Harbor Syndrome; Short stature with delayed bone age, expressive language delay, a triangular face with a prominent nose and deep-set eyes; Pelletier-Leisti syndrome. Identifiers: Orphanet 2044, MedGen C0729582, MONDO:0007621, OMIM 136140.
Inborn genetic diseases. Identifiers: MedGen C0950123, MeSH D030342.

Submissions (3):

Ambry Genetics
Classification: Uncertain significance for Inborn genetic diseases. Last evaluated: 2025-12-16. Review status: criteria provided, single submitter. Criteria: Ambry Variant Classification Scheme 2023. Collection method: clinical testing. Allele origin: germline.

Fulgent Genetics
Classification: Uncertain significance for Floating-Harbor syndrome; Developmental delay, hypotonia, musculoskeletal defects, and behavioral abnormalities. Last evaluated: 2024-01-18. Review status: criteria provided, single submitter. Criteria: ACMG Guidelines, 2015. Collection method: clinical testing. Allele origin: germline.

Labcorp Genetics (formerly Invitae), Labcorp
Classification: Uncertain significance. Last evaluated: 2022-10-13. Review status: criteria provided, single submitter. Criteria: Invitae Variant Classification Sherloc (09022015). Collection method: clinical testing. Allele origin: germline.
Comment: This sequence change replaces proline, which is neutral and non-polar, with arginine, which is basic and polar, at codon 1753 of the SRCAP protein (p.Pro1753Arg). This variant is not present in population databases (gnomAD no frequency). This variant has not been reported in the literature in individuals affected with SRCAP-related conditions. Advanced modeling of protein sequence and biophysical properties (such as structural, functional, and spatial information, amino acid conservation, physicochemical variation, residue mobility, and thermodynamic stability) performed at Invitae indicates that this missense variant is not expected to disrupt SRCAP protein function. In summary, the available evidence is currently insufficient to determine the role of this variant in disease. Therefore, it has been classified as a Variant of Uncertain Significance.